The following is an entry in ClinVar:

ClinVar aggregate classification (germline): Uncertain significance. Review status: criteria provided, multiple submitters, no conflicts (2 of 4 stars). 3 submissions from 3 submitters: Uncertain significance (3). Last evaluated 2025-06-12.

Conditions:
TP63-Related Spectrum Disorders.
Inborn genetic diseases. Identifiers: MedGen C0950123, MeSH D030342.
TP63-related disorder. Also called: TP63-Related Disorders; TP63-related condition. Identifiers: MedGen CN380159.

Allele frequency attached by ClinVar (database versions not stated): gnomAD 0.00001; gnomAD exomes 0.00001; TOPMed 0.00001; ExAC 0.00003; ESP Exome Variant Server 0.00015.
gnomAD v4.1: 10 of 1,613,844 alleles (0.00062%); highest among the groups gnomAD compares: East Asian, 0.013%; no homozygotes.

Submissions (3):

Ambry Genetics
Classification: Uncertain significance for Inborn genetic diseases. Last evaluated: 2025-06-12. Review status: criteria provided, single submitter. Criteria: Ambry Variant Classification Scheme 2023. Collection method: clinical testing. Allele origin: germline.

Labcorp Genetics (formerly Invitae), Labcorp
Classification: Uncertain significance. Last evaluated: 2023-11-10. Review status: criteria provided, single submitter. Criteria: Invitae Variant Classification Sherloc (09022015). Collection method: clinical testing. Allele origin: germline.
Comment: This sequence change replaces arginine, which is basic and polar, with cysteine, which is neutral and slightly polar, at codon 669 of the TP63 protein (p.Arg669Cys). This variant is present in population databases (rs143676789, gnomAD 0.03%). This variant has not been reported in the literature in individuals affected with TP63-related conditions. ClinVar contains an entry for this variant (Variation ID: 1970534). Advanced modeling of protein sequence and biophysical properties (such as structural, functional, and spatial information, amino acid conservation, physicochemical variation, residue mobility, and thermodynamic stability) has been performed at Invitae for this missense variant, however the output from this modeling did not meet the statistical confidence thresholds required to predict the impact of this variant on TP63 protein function. In summary, the available evidence is currently insufficient to determine the role of this variant in disease. Therefore, it has been classified as a Variant of Uncertain Significance.

PreventionGenetics, part of Exact Sciences
Classification: Uncertain significance for TP63-related condition. Last evaluated: 2023-01-05. Review status: criteria provided, single submitter. Criteria: ACMG Guidelines, 2015. Collection method: clinical testing. Allele origin: germline.
Comment: The TP63 c.2005C>T variant is predicted to result in the amino acid substitution p.Arg669Cys. To our knowledge, this variant has not been reported in the literature. This variant is reported in 0.025% of alleles in individuals of East Asian descent in gnomAD. Although we suspect that this variant may be benign, at this time, the clinical significance of this variant is uncertain due to the absence of conclusive functional and genetic evidence.

NM_003722.5(TP63):c.2005C>T (p.Arg669Cys)

Gene: TP63 (tumor protein p63; plus strand). Cytogenetic location: 3q28.
Variant type: single nucleotide variant.
Coding change: c.2005C>T on transcript NM_003722.5 (MANE Select); coding-DNA position 2005, C replaced by T.
Protein change: p.Arg669Cys; replaces arginine 669 with cysteine.
Molecular consequence: missense variant. On other transcripts: 3 prime UTR variant (6).
Genome position (GRCh38, 1-based): chr3:189,894,464, C>T. VCF-style: chr3-189894464-C-T. GRCh37 (hg19) VCF-style: chr3-189612253-C-T.
Other names: c.*243C>T (NM_001114978.2, NM_001114981.2); c.1723C>T, p.Arg575Cys (NM_001114980.2); c.*233C>T (NM_001329144.2, NM_001329145.2, NM_001329149.2 and 1 more transcripts); c.1468C>T, p.Arg490Cys (NM_001329146.2); c.1993C>T, p.Arg665Cys (NM_001329148.2); c.1999C>T, p.Arg667Cys (NM_001329964.2); c.2005C>T (NM_003722.4); short protein forms R490C, R665C, R575C, R667C, R669C.
Identifiers: ClinVar variation 1970534 (VCV001970534.6), dbSNP rs143676789, ClinGen allele CA2752608.